The following is an entry in ClinVar:

NM_182961.4(SYNE1):c.3879G>A (p.Gln1293=)

Gene: SYNE1 (spectrin repeat containing nuclear envelope protein 1; minus strand). Cytogenetic location: 6q25.2.
Variant type: single nucleotide variant.
Coding change: c.3879G>A on transcript NM_182961.4 (MANE Select); coding-DNA position 3879, G replaced by A.
Protein change: p.Gln1293=; no amino-acid change (glutamine 1293 retained).
Molecular consequence: synonymous variant.
Genome position (GRCh38, 1-based): chr6:152,442,204, C>T on the plus strand (G>A on the coding strand, the complement: SYNE1 is on the minus strand). VCF-style: chr6-152442204-C-T. GRCh37 (hg19) VCF-style: chr6-152763339-C-T.
Other names: c.3900G>A, p.Gln1300= (NM_033071.5).
Identifiers: ClinVar variation 285359 (VCV000285359.59), dbSNP rs754584363, ClinGen allele CA4058729.

ClinVar aggregate classification (germline): Conflicting classifications of pathogenicity. Review status: criteria provided, conflicting classifications (1 of 4 stars). 7 submissions from 6 submitters: Uncertain significance (2); Likely benign (4). 1 of the submissions does not count toward it. Last evaluated 2025-08-01.

Conditions:
SYNE1-related disorder. Also called: SYNE1-related disease; SYNE1-related condition; SYNE1-related disorders.
Emery-Dreifuss muscular dystrophy 4, autosomal dominant (EDMD4). Also called: EMERY-DREIFUSS MUSCULAR DYSTROPHY 4 WITH VARIABLE FEATURES. Identifiers: Orphanet 261, MedGen C2751807, MONDO:0013071, OMIM 612998.
Autosomal recessive ataxia, Beauce type. Also called: SYNE1 Deficiency; SYNE1-Related Autosomal Recessive Cerebellar Ataxia; ATAXIA, RECESSIVE, OF BEAUCE; Spinocerebellar ataxia, autosomal recessive 8. Identifiers: Orphanet 88644, MedGen C1853116, MONDO:0012549, OMIM 610743.

Allele frequency attached by ClinVar (database versions not stated): gnomAD exomes 0.00003 and 0.00005; ExAC 0.00004; gnomAD 0.00006; TOPMed 0.00007.
gnomAD v4.1: 59 of 1,613,466 alleles (0.0037%); highest among the groups gnomAD compares: Non-Finnish European, 0.0036%; no homozygotes.

Submissions (7):

CeGaT Center for Human Genetics Tuebingen
Classification: Likely benign. Last evaluated: 2025-08-01. Review status: criteria provided, single submitter. Criteria: CeGaT Center For Human Genetics Tuebingen Variant Classification Criteria Version 2. Collection method: clinical testing. Allele origin: germline. Affected: yes. Observed: 2 variant alleles.
Comment: SYNE1: BP4, BP7

Labcorp Genetics (formerly Invitae), Labcorp
Classification: Likely benign for Emery-Dreifuss muscular dystrophy 4, autosomal dominant; Autosomal recessive ataxia, Beauce type. Last evaluated: 2025-06-12. Review status: criteria provided, single submitter. Criteria: Invitae Variant Classification Sherloc (09022015). Collection method: clinical testing. Allele origin: germline.

Illumina Laboratory Services, Illumina
Classification: Uncertain significance for Autosomal recessive ataxia, Beauce type. Last evaluated: 2018-01-13. Review status: criteria provided, single submitter. Criteria: ICSL Variant Classification Criteria 13 December 2019. Collection method: clinical testing. Allele origin: germline.

Illumina Laboratory Services, Illumina
Classification: Likely benign for Emery-Dreifuss muscular dystrophy 4, autosomal dominant. Last evaluated: 2018-01-13. Review status: criteria provided, single submitter. Criteria: ICSL Variant Classification Criteria 13 December 2019. Collection method: clinical testing. Allele origin: germline.
Comment: This variant was observed in the ICSL laboratory as part of a predisposition screen in an ostensibly healthy population. It had not been previously curated by ICSL or reported in the Human Gene Mutation Database (HGMD: prior to June 1st, 2018), and was therefore a candidate for classification through an automated scoring system. Utilizing variant allele frequency, disease prevalence and penetrance estimates, and inheritance mode, an automated score was calculated to assess if this variant is too frequent to cause the disease. Based on the score and internal cut-off values, a variant classified as likely benign is not then subjected to further curation. The score for this variant resulted in a classification of likely benign for this disease.

Eurofins Ntd Llc (ga)
Classification: Uncertain significance. Last evaluated: 2017-05-25. Review status: criteria provided, single submitter. Criteria: EGL Classification Definitions 2015. Collection method: clinical testing. Allele origin: germline. Observed: 7 variant alleles, 7 heterozygotes.

GeneDx
Classification: Likely benign. Last evaluated: 2016-11-10. Review status: criteria provided, single submitter. Criteria: GeneDx Variant Classification (06012015). Collection method: clinical testing. Allele origin: germline. Affected: yes.
Comment: This variant is considered likely benign or benign based on one or more of the following criteria: it is a conservative change, it occurs at a poorly conserved position in the protein, it is predicted to be benign by multiple in silico algorithms, and/or has population frequency not consistent with disease.

PreventionGenetics, part of Exact Sciences
Classification: Likely benign for SYNE1-related condition. Last evaluated: 2019-06-05. Review status: no assertion criteria provided. Collection method: clinical testing. Allele origin: germline. Not counted in ClinVar's aggregate classification.
Comment: This variant is classified as likely benign based on ACMG/AMP sequence variant interpretation guidelines (Richards et al. 2015 PMID: 25741868, with internal and published modifications).